The following is an entry in ClinVar:

NM_000218.3(KCNQ1):c.349C>A (p.Pro117Thr)

Gene: KCNQ1 (potassium voltage-gated channel subfamily Q member 1; plus strand). Cytogenetic location: 11p15.5.
Variant type: single nucleotide variant.
Coding change: c.349C>A on transcript NM_000218.3 (MANE Select); coding-DNA position 349, C replaced by A.
Protein change: p.Pro117Thr; replaces proline 117 with threonine.
Molecular consequence: missense variant.
Genome position (GRCh38, 1-based): chr11:2,445,447, C>A. VCF-style: chr11-2445447-C-A. GRCh37 (hg19) VCF-style: chr11-2466677-C-A.
Other names: short protein forms P117T.
Identifiers: ClinVar variation 1489978 (VCV001489978.8), dbSNP rs886037906, ClinGen allele CA379117626.

ClinVar aggregate classification (germline): Likely pathogenic (1 of 4 stars; one submission).

Conditions:
Long QT syndrome (LQTS). Identifiers: MedGen C0023976, MeSH D008133, MONDO:0002442. Disease mechanism: loss of function. Inheritance: Various modes of inheritance.

Submission:

Labcorp Genetics (formerly Invitae), Labcorp
Classification: Likely pathogenic for Long QT syndrome. Last evaluated: 2022-11-29. Review status: criteria provided, single submitter. Criteria: Invitae Variant Classification Sherloc (09022015). Collection method: clinical testing. Allele origin: germline.
Comment: This sequence change replaces proline, which is neutral and non-polar, with threonine, which is neutral and polar, at codon 117 of the KCNQ1 protein (p.Pro117Thr). In summary, the currently available evidence indicates that the variant is pathogenic, but additional data are needed to prove that conclusively. Therefore, this variant has been classified as Likely Pathogenic. This variant disrupts the p.Pro117 amino acid residue in KCNQ1. Other variant(s) that disrupt this residue have been determined to be pathogenic (PMID: 11684219, 17053194, 19114714, 29532034). This suggests that this residue is clinically significant, and that variants that disrupt this residue are likely to be disease-causing. Advanced modeling of protein sequence and biophysical properties (such as structural, functional, and spatial information, amino acid conservation, physicochemical variation, residue mobility, and thermodynamic stability) performed at Invitae indicates that this missense variant is expected to disrupt KCNQ1 protein function. ClinVar contains an entry for this variant (Variation ID: 1489978). This missense change has been observed in individual(s) with long QT syndrome (Invitae). This variant is not present in population databases (gnomAD no frequency).

Literature cited by the submitters: PubMed 11684219; PubMed 17053194; PubMed 19114714; PubMed 29532034.